The following is an entry in ClinVar:

NM_000435.3(NOTCH3):c.112G>T (p.Ala38Ser)

Gene: NOTCH3 (notch receptor 3; minus strand). Cytogenetic location: 19p13.12.
Variant type: single nucleotide variant.
Coding change: c.112G>T on transcript NM_000435.3 (MANE Select); coding-DNA position 112, G replaced by T.
Protein change: p.Ala38Ser; replaces alanine 38 with serine.
Molecular consequence: missense variant.
Genome position (GRCh38, 1-based): chr19:15,200,794, C>A on the plus strand (G>T on the coding strand, the complement: NOTCH3 is on the minus strand). VCF-style: chr19-15200794-C-A. GRCh37 (hg19) VCF-style: chr19-15311605-C-A.
Other names: short protein forms A38S.
Identifiers: ClinVar variation 3021954 (VCV003021954.3), dbSNP rs752064930, ClinGen allele CA404483487.

ClinVar aggregate classification (germline): Uncertain significance (1 of 4 stars; one submission).

Allele frequency attached by ClinVar (database versions not stated): TOPMed below 0.00001.
gnomAD v4.1: 2 of 1,271,526 alleles (0.00016%); no homozygotes.

Submission:

Labcorp Genetics (formerly Invitae), Labcorp
Classification: Uncertain significance. Last evaluated: 2022-10-19. Review status: criteria provided, single submitter. Criteria: Invitae Variant Classification Sherloc (09022015). Collection method: clinical testing. Allele origin: germline.
Comment: This sequence change replaces alanine, which is neutral and non-polar, with serine, which is neutral and polar, at codon 38 of the NOTCH3 protein (p.Ala38Ser). In summary, the available evidence is currently insufficient to determine the role of this variant in disease. Therefore, it has been classified as a Variant of Uncertain Significance. Algorithms developed to predict the effect of missense changes on protein structure and function (SIFT, PolyPhen-2, Align-GVGD) all suggest that this variant is likely to be tolerated. This variant has not been reported in the literature in individuals affected with NOTCH3-related conditions. This variant is not present in population databases (gnomAD no frequency).